The following is an entry in ClinVar:

NM_000219.6(KCNE1):c.121A>C (p.Lys41Gln)

Gene: KCNE1 (potassium voltage-gated channel subfamily E regulatory subunit 1; minus strand). Cytogenetic location: 21q22.12.
Variant type: single nucleotide variant.
Coding change: c.121A>C on transcript NM_000219.6 (MANE Select); coding-DNA position 121, A replaced by C.
Protein change: p.Lys41Gln; replaces lysine 41 with glutamine.
Molecular consequence: missense variant.
Genome position (GRCh38, 1-based): chr21:34,449,514, T>G on the plus strand (A>C on the coding strand, the complement: KCNE1 is on the minus strand). VCF-style: chr21-34449514-T-G. GRCh37 (hg19) VCF-style: chr21-35821812-T-G.
Other names: c.121A>C, p.Lys41Gln (NM_001127668.4, NM_001127669.4, NM_001127670.4 and 4 more transcripts); short protein forms K41Q.
Identifiers: ClinVar variation 3374099 (VCV003374099.2).

Conditions:
Long QT syndrome 5 (LQT5). Identifiers: Orphanet 101016, Orphanet 768, MedGen C1867904, MONDO:0013372, OMIM 613695.

Submission:

Roden Lab, Vanderbilt University Medical Center
No classification provided (evidence only). Condition: Long QT syndrome 5. Review status: no classification provided. Collection method: in vitro. Allele origin: not applicable. Functional consequence: Effect on ion channel function.
ClinVar note: "not provided" was previously submitted as the classification for the variant. However, the classification appeared to be based only on an observation of functional data so it was converted to no classification on 2025-07-30.